The following is an entry in ClinVar:

ClinVar aggregate classification (germline): Uncertain significance (1 of 4 stars; one submission).

Submission:

Labcorp Genetics (formerly Invitae), Labcorp
Classification: Uncertain significance. Last evaluated: 2023-12-18. Review status: criteria provided, single submitter. Criteria: Invitae Variant Classification Sherloc (09022015). Collection method: clinical testing. Allele origin: unknown.
Comment: This variant results in a copy number gain of the genomic region encompassing exon(s) 2-12 of the EYS gene. This region includes the initiator codon of the gene. This copy number gain extends beyond the assayed region for this gene and therefore may encompass additional genes. As the precise location of this event is unknown, it may be in tandem or it may be located elsewhere in the genome. This variant has not been reported in the literature in individuals affected with EYS-related conditions. In summary, the available evidence is currently insufficient to determine the role of this variant in disease. Therefore, it has been classified as a Variant of Uncertain Significance.

NC_000006.11:g.(?_66005736)_(66349785_?)dup

Gene: EYS (eyes shut homolog; minus strand). Cytogenetic location: 6q12.
Variant type: Duplication.
Identifiers: ClinVar variation 3246140 (VCV003246140.1).